The following is an entry in ClinVar:

NM_000277.3(PAH):c.365C>A (p.Pro122Gln)

Gene: PAH (phenylalanine hydroxylase; minus strand). Cytogenetic location: 12q23.2.
Variant type: single nucleotide variant.
Coding change: c.365C>A on transcript NM_000277.3 (MANE Select); coding-DNA position 365, C replaced by A.
Protein change: p.Pro122Gln; replaces proline 122 with glutamine.
Molecular consequence: missense variant.
Genome position (GRCh38, 1-based): chr12:102,877,538, G>T on the plus strand (C>A on the coding strand, the complement: PAH is on the minus strand). VCF-style: chr12-102877538-G-T. GRCh37 (hg19) VCF-style: chr12-103271316-G-T.
Other names: c.365C>A, p.Pro122Gln (NM_001354304.2); short protein forms P122Q.
Identifiers: ClinVar variation 102657 (VCV000102657.11), dbSNP rs199475622, ClinGen allele CA229524.

ClinVar aggregate classification (germline): Pathogenic/Likely pathogenic. Review status: criteria provided, multiple submitters, no conflicts (2 of 4 stars). 5 submissions from 5 submitters: Pathogenic (3); Likely pathogenic (1). 1 of the submissions does not count toward it. Last evaluated 2026-05-01.

Conditions:
Phenylketonuria (PKU). Also called: Phenylketonuria (PKU); FOLLING DISEASE; OLIGOPHRENIA PHENYLPYRUVICA; Phenylketonurias. Identifiers: Orphanet 716, MedGen C0031485, MONDO:0009861, OMIM 261600. Disease mechanism: loss of function.

Submissions (5):

Myriad Genetics, Inc.
Classification: Likely pathogenic for Phenylketonuria. Last evaluated: 2026-05-01. Review status: criteria provided, single submitter. Criteria: Myriad Autosomal Dominant, Autosomal Recessive and X-Linked Classification Criteria (2023). Collection method: clinical testing. Allele origin: unknown.
Comment: NM_000277.1(PAH):c.365C>A(P122Q) is a missense variant classified as likely pathogenic in the context of phenylalanine hydroxylase deficiency. P122Q has been observed in cases with relevant disease (PMID: 9350299, 10234516, 10598814, 15464430, 16165389). Relevant functional assessments of this variant are available in the literature (PMID: 30037505). P122Q has not been observed in referenced population frequency databases. In summary, NM_000277.1(PAH):c.365C>A(P122Q) is a missense variant that has been observed more frequently in cases with the relevant disease than in healthy populations. Please note: this variant was assessed in the context of healthy population screening.

GeneDx
Classification: Pathogenic. Last evaluated: 2026-03-19. Review status: criteria provided, single submitter. Criteria: GeneDx Variant Classification Process June 2021. Collection method: clinical testing. Allele origin: germline.
Comment: Published functional studies demonstrate a damaging effect on enzyme activity (PMID: 17935162, 12655546); In silico analysis supports that this missense variant has a deleterious effect on protein structure/function; Not observed at significant frequency in large population cohorts (gnomAD); This variant is associated with the following publications: (PMID: 8981952, 17935162, 12655546, 30648773, 21953985, 16165389, 30941500, 10598814, 9359039, 32668217)

Women's Health and Genetics/Laboratory Corporation of America, LabCorp
Classification: Pathogenic for Phenylketonuria. Last evaluated: 2023-07-25. Review status: criteria provided, single submitter. Criteria: LabCorp Variant Classification Summary - May 2015. Collection method: clinical testing. Allele origin: germline.
Comment: Variant summary: PAH c.365C>A (p.Pro122Gln) results in a non-conservative amino acid change located in the catalytic domain (IPR041912) of the encoded protein sequence. Five of five in-silico tools predict a damaging effect of the variant on protein function. The variant was absent in 251390 control chromosomes (gnomAD). c.365C>A has been reported in the literature in multiple compound heterozygous individuals affected with Phenylalanine Hydroxylase Deficiency (Phenylketonuria) (e.g. Perez_1997, Desviat_1997, Belanger-Quintana_2005, Andrade_2019, Hillert_2020). These data indicate that the variant is very likely to be associated with disease. Publications also reported experimental evidence evaluating an impact on protein function, and demonstrated that the variant results in reduced stability and accelerated degradation, with an overall ~22% residual activity (e.g. Pey_2003, Zurfluh_2008, Shi_2012). The following publications have been ascertained in the context of this evaluation (PMID: 12655546, 8981952, 9359039, 16165389, 17935162, 21953985, 32668217). One submitter has cited clinical-significance assessments for this variant to ClinVar after 2014 and has classified the variant as pathogenic. Based on the evidence outlined above, the variant was classified as pathogenic.

Labcorp Genetics (formerly Invitae), Labcorp
Classification: Pathogenic for Phenylketonuria. Last evaluated: 2020-10-14. Review status: criteria provided, single submitter. Criteria: Invitae Variant Classification Sherloc (09022015). Collection method: clinical testing. Allele origin: germline.
Comment: For these reasons, this variant has been classified as Pathogenic. Advanced modeling of protein sequence and biophysical properties (such as structural, functional, and spatial information, amino acid conservation, physicochemical variation, residue mobility, and thermodynamic stability) performed at Invitae indicates that this missense variant is expected to disrupt PAH protein function. This sequence change replaces proline with glutamine at codon 122 of the PAH protein (p.Pro122Gln). The proline residue is highly conserved and there is a moderate physicochemical difference between proline and glutamine. This variant is not present in population databases (ExAC no frequency). This variant has been observed in individual(s) with PAH-related conditions (PMID: 12655546, 10598814). ClinVar contains an entry for this variant (Variation ID: 102657). Experimental studies have shown that this variant affects PAH protein function (PMID: 12655546, 17935162).

DeBelle Laboratory for Biochemical Genetics, MUHC/MCH RESEARCH INSTITUTE
No classification provided. Review status: no classification provided. Collection method: not provided. Allele origin: not provided. Not counted in ClinVar's aggregate classification.

Literature cited by the submitters: PubMed 10234516 (cited by Myriad Genetics, Inc.); PubMed 10598814 (cited by Myriad Genetics, Inc. and Labcorp Genetics (formerly Invitae), Labcorp); PubMed 15464430 (cited by Myriad Genetics, Inc.); PubMed 16165389 (cited by Myriad Genetics, Inc. and Women's Health and Genetics/Laboratory Corporation of America, LabCorp); PubMed 30037505 (cited by Myriad Genetics, Inc.); PubMed 9350299 (cited by Myriad Genetics, Inc.); PubMed 8981952 (cited by Women's Health and Genetics/Laboratory Corporation of America, LabCorp); PubMed 17935162 (cited by Women's Health and Genetics/Laboratory Corporation of America, LabCorp and Labcorp Genetics (formerly Invitae), Labcorp); PubMed 21953985 (cited by Women's Health and Genetics/Laboratory Corporation of America, LabCorp); PubMed 12655546 (cited by Women's Health and Genetics/Laboratory Corporation of America, LabCorp and Labcorp Genetics (formerly Invitae), Labcorp); PubMed 32668217 (cited by Women's Health and Genetics/Laboratory Corporation of America, LabCorp); PubMed 30941500 (cited by Women's Health and Genetics/Laboratory Corporation of America, LabCorp); PubMed 9359039 (cited by Women's Health and Genetics/Laboratory Corporation of America, LabCorp).